The following is an entry in ClinVar:

ClinVar aggregate classification (germline): Uncertain significance (1 of 4 stars; one submission).

Conditions:
Aortic valve disease 2 (AOVD2). Identifiers: MedGen C3542024, MONDO:0013902, OMIM 614823.

Submission:

Labcorp Genetics (formerly Invitae), Labcorp
Classification: Uncertain significance for Aortic valve disease 2. Last evaluated: 2024-04-14. Review status: criteria provided, single submitter. Criteria: Invitae Variant Classification Sherloc (09022015). Collection method: clinical testing. Allele origin: germline.
Comment: This sequence change creates a premature translational stop signal (p.Gly79Alafs*46) in the SMAD6 gene. It is expected to result in an absent or disrupted protein product. However, the current clinical and genetic evidence is not sufficient to establish whether loss-of-function variants in SMAD6 cause disease. This variant is not present in population databases (gnomAD no frequency). This variant has not been reported in the literature in individuals affected with SMAD6-related conditions. In summary, the available evidence is currently insufficient to determine the role of this variant in disease. Therefore, it has been classified as a Variant of Uncertain Significance.

NM_005585.5(SMAD6):c.236del (p.Gly79fs)

Gene: SMAD6 (SMAD family member 6; plus strand). Cytogenetic location: 15q22.31.
Variant type: Deletion.
Coding change: c.236del on transcript NM_005585.5 (MANE Select); coding-DNA position 236, one base deleted (G; older notation c.236delG).
Protein change: p.Gly79fs; shifts the reading frame from glycine 79.
Molecular consequence: frameshift variant. On other transcripts: non-coding transcript variant (1).
Genome position (GRCh38, 1-based): chr15:66,703,494, G deleted; the last of 3 consecutive G bases (chr15:66,703,492-66,703,494); deleting any one gives the same sequence. VCF-style (leftmost placement, unchanged base first): chr15-66703491-AG-A. GRCh37 (hg19) VCF-style: chr15-66995829-AG-A.
Other names: short protein forms G79fs.
Identifiers: ClinVar variation 3649856 (VCV003649856.2).